The following is an entry in ClinVar:

ClinVar aggregate classification (germline): Uncertain significance (1 of 4 stars; one submission).

Conditions:
Ataxia-telangiectasia syndrome (AT). Also called: Ataxia telangiectasia (A-T); LOUIS-BAR SYNDROME; Cerebello-oculocutaneous telangiectasia; Immunodeficiency with ataxia telangiectasia; Ataxia-telangiectasia, complementation group E; Ataxia-telangiectasia. Identifiers: Orphanet 100, MedGen C0004135, MONDO:0008840, OMIM 208900.

Submission:

Labcorp Genetics (formerly Invitae), Labcorp
Classification: Uncertain significance for Ataxia-telangiectasia syndrome. Last evaluated: 2024-05-01. Review status: criteria provided, single submitter. Criteria: Invitae Variant Classification Sherloc (09022015). Collection method: clinical testing. Allele origin: germline.
Comment: This sequence change falls in intron 2 of the ATM gene. It does not directly change the encoded amino acid sequence of the ATM protein. It affects a nucleotide within the consensus splice site. This variant is not present in population databases (gnomAD no frequency). This variant has not been reported in the literature in individuals affected with ATM-related conditions. Variants that disrupt the consensus splice site are a relatively common cause of aberrant splicing (PMID: 17576681, 9536098). Algorithms developed to predict the effect of sequence changes on RNA splicing suggest that this variant is not likely to affect RNA splicing. In summary, the available evidence is currently insufficient to determine the role of this variant in disease. Therefore, it has been classified as a Variant of Uncertain Significance.

Literature cited by the submitters: PubMed 17576681; PubMed 9536098.

NM_000051.4(ATM):c.72+6A>T

Gene: ATM (ATM serine/threonine kinase; plus strand). Cytogenetic location: 11q22.3.
Variant type: single nucleotide variant.
Coding change: c.72+6A>T on transcript NM_000051.4 (MANE Select); 6 bases into the intron after coding-DNA position 72, A replaced by T.
Molecular consequence: intron variant.
Genome position (GRCh38, 1-based): chr11:108,227,702, A>T. VCF-style: chr11-108227702-A-T. GRCh37 (hg19) VCF-style: chr11-108098429-A-T.
Other names: c.72+6A>T (NM_001351834.2, NM_001351835.2, NM_001351836.2).
Identifiers: ClinVar variation 3698382 (VCV003698382.2).
Genomic context (GRCh38, chr11:108,227,702, plus strand): 5'-TGATCTGCTTATCTGCTGCCGTCAACTAGAACATGATAGAGCTACAGAACGAAAGGTAGT[A>T]AATTACTTAAATTCAATTTTTCCTTGAAATAAGTGTGATTAGTAACCCATTATTATTTCC-3'